The following is an entry in ClinVar:

ClinVar aggregate classification (germline): Uncertain significance. Review status: criteria provided, multiple submitters, no conflicts (2 of 4 stars). 4 submissions from 4 submitters: Uncertain significance (4). Last evaluated 2025-11-26.

Conditions:
Inborn genetic diseases. Identifiers: MedGen C0950123, MeSH D030342.
Acrocallosal syndrome (ACLS). Also called: Schinzel syndrome 1; Absence of corpus callosum with unusual facial appearance, mental deficiency, duplication of the halluces and polydactyly; HALLUX DUPLICATION, POSTAXIAL POLYDACTYLY, AND ABSENCE OF CORPUS CALLOSUM. Identifiers: Orphanet 36, MedGen C0796147, MONDO:0008708, OMIM 200990.
Hydrolethalus syndrome 2 (HLS2). Identifiers: Orphanet 2189, MedGen C3279899, MONDO:0013585, OMIM 614120.
Multiple epiphyseal dysplasia, Al-Gazali type. Also called: Macrocephaly with multiple epiphyseal dysplasia and distinctive facies. Identifiers: Orphanet 166024, MedGen C1846722, MONDO:0011778, OMIM 607131.

gnomAD v4.1: 25 of 1,609,794 alleles (0.0016%); highest among the groups gnomAD compares: Admixed American, 0.028%; no homozygotes.

Submissions (4):

Ambry Genetics
Classification: Uncertain significance for Inborn genetic diseases. Last evaluated: 2025-11-26. Review status: criteria provided, single submitter. Criteria: Ambry Variant Classification Scheme 2023. Collection method: clinical testing. Allele origin: germline.

Labcorp Genetics (formerly Invitae), Labcorp
Classification: Uncertain significance for Acrocallosal syndrome. Last evaluated: 2024-10-26. Review status: criteria provided, single submitter. Criteria: Invitae Variant Classification Sherloc (09022015). Collection method: clinical testing. Allele origin: germline.
Comment: This sequence change replaces arginine, which is basic and polar, with leucine, which is neutral and non-polar, at codon 1144 of the KIF7 protein (p.Arg1144Leu). This variant is present in population databases (rs756521084, gnomAD 0.04%). This variant has not been reported in the literature in individuals affected with KIF7-related conditions. ClinVar contains an entry for this variant (Variation ID: 1503699). Invitae Evidence Modeling of protein sequence and biophysical properties (such as structural, functional, and spatial information, amino acid conservation, physicochemical variation, residue mobility, and thermodynamic stability) has been performed for this missense variant. However, the output from this modeling did not meet the statistical confidence thresholds required to predict the impact of this variant on KIF7 protein function. In summary, the available evidence is currently insufficient to determine the role of this variant in disease. Therefore, it has been classified as a Variant of Uncertain Significance.

Fulgent Genetics
Classification: Uncertain significance for Acrocallosal syndrome; Multiple epiphyseal dysplasia, Al-Gazali type; Hydrolethalus syndrome 2. Last evaluated: 2024-04-08. Review status: criteria provided, single submitter. Criteria: ACMG Guidelines, 2015. Collection method: clinical testing. Allele origin: germline.

Blueprint Genetics
Classification: Uncertain significance. Last evaluated: 2024-02-01. Review status: criteria provided, single submitter. Criteria: ACMG Guidelines, 2015. Collection method: clinical testing. Allele origin: germline.

NM_198525.3(KIF7):c.3431G>T (p.Arg1144Leu)

Genes: KIF7 (kinesin family member 7; minus strand), LOC126862216 (BRD4-independent group 4 enhancer GRCh37_chr15:90171995-90173194; plus strand). Cytogenetic location: 15q26.1.
Variant type: single nucleotide variant.
Coding change: c.3431G>T on transcript NM_198525.3 (MANE Select); coding-DNA position 3431, G replaced by T.
Protein change: p.Arg1144Leu; replaces arginine 1144 with leucine.
Molecular consequence: missense variant.
Genome position (GRCh38, 1-based): chr15:89,629,461, C>A on the plus strand (G>T on the coding strand, the complement: KIF7 is on the minus strand). VCF-style: chr15-89629461-C-A. GRCh37 (hg19) VCF-style: chr15-90172692-C-A.
Other names: c.3431G>T (NM_198525.2); short protein forms R1144L.
Identifiers: ClinVar variation 1503699 (VCV001503699.9), dbSNP rs756521084, ClinGen allele CA7727709.